The following is an entry in ClinVar:

ClinVar aggregate classification (germline): Uncertain significance. Review status: criteria provided, multiple submitters, no conflicts (2 of 4 stars). 2 submissions from 2 submitters: Uncertain significance (2). Last evaluated 2024-11-15.

Conditions:
Inborn genetic diseases. Identifiers: MedGen C0950123, MeSH D030342.

gnomAD v4.1: 1 of 1,613,964 alleles (0.000062%); highest among the groups gnomAD compares: Admixed American, 0.0017%; no homozygotes.

Submissions (2):

Labcorp Genetics (formerly Invitae), Labcorp
Classification: Uncertain significance. Last evaluated: 2024-11-15. Review status: criteria provided, single submitter. Criteria: Invitae Variant Classification Sherloc (09022015). Collection method: clinical testing. Allele origin: germline.
Comment: This sequence change replaces glutamine, which is neutral and polar, with arginine, which is basic and polar, at codon 1854 of the MYH3 protein (p.Gln1854Arg). This variant is present in population databases (no rsID available, gnomAD 0.003%). This variant has not been reported in the literature in individuals affected with MYH3-related conditions. An algorithm developed to predict the effect of missense changes on protein structure and function (PolyPhen-2) suggests that this variant is likely to be disruptive. In summary, the available evidence is currently insufficient to determine the role of this variant in disease. Therefore, it has been classified as a Variant of Uncertain Significance.

Ambry Genetics
Classification: Uncertain significance for Inborn genetic diseases. Last evaluated: 2024-08-26. Review status: criteria provided, single submitter. Criteria: Ambry Variant Classification Scheme 2023. Collection method: clinical testing. Allele origin: germline.

NM_002470.4(MYH3):c.5561A>G (p.Gln1854Arg)

Gene: MYH3 (myosin heavy chain 3; minus strand). Cytogenetic location: 17p13.1.
Variant type: single nucleotide variant.
Coding change: c.5561A>G on transcript NM_002470.4 (MANE Select); coding-DNA position 5561, A replaced by G.
Protein change: p.Gln1854Arg; replaces glutamine 1854 with arginine.
Molecular consequence: missense variant.
Genome position (GRCh38, 1-based): chr17:10,630,093, T>C on the plus strand (A>G on the coding strand, the complement: MYH3 is on the minus strand). VCF-style: chr17-10630093-T-C. GRCh37 (hg19) VCF-style: chr17-10533410-T-C.
Other names: short protein forms Q1854R.
Identifiers: ClinVar variation 3400779 (VCV003400779.3).